The following is an entry in ClinVar:

ClinVar aggregate classification (germline): Likely benign. Review status: criteria provided, multiple submitters, no conflicts (2 of 4 stars). 2 submissions from 2 submitters: Likely benign (2). Last evaluated 2024-04-30.

Conditions:
Rafiq syndrome (RAFQS). Identifiers: Orphanet 88616, MedGen C3280127, MONDO:0013624, OMIM 614202.

Allele frequency attached by ClinVar (database versions not stated): ExAC 0.00002; gnomAD 0.00002; gnomAD exomes 0.00002; TOPMed 0.00002; 1000 Genomes Project 30x 0.00016; 1000 Genomes Project 0.00020.
gnomAD v4.1: 31 of 1,613,872 alleles (0.0019%); highest among the groups gnomAD compares: East Asian, 0.011%; no homozygotes.

Submissions (2):

Labcorp Genetics (formerly Invitae), Labcorp
Classification: Likely benign for Rafiq syndrome. Last evaluated: 2024-04-30. Review status: criteria provided, single submitter. Criteria: Invitae Variant Classification Sherloc (09022015). Collection method: clinical testing. Allele origin: germline.

CeGaT Center for Human Genetics Tuebingen
Classification: Likely benign. Last evaluated: 2023-04-01. Review status: criteria provided, single submitter. Criteria: CeGaT Center For Human Genetics Tuebingen Variant Classification Criteria Version 2. Collection method: clinical testing. Allele origin: germline. Affected: yes. Observed: 1 variant allele.
Comment: MAN1B1: BP4, BP7

NM_016219.5(MAN1B1):c.1125G>A (p.Ser375=)

Gene: MAN1B1 (mannosidase alpha class 1B member 1; plus strand). Cytogenetic location: 9q34.3.
Variant type: single nucleotide variant.
Coding change: c.1125G>A on transcript NM_016219.5 (MANE Select); coding-DNA position 1125, G replaced by A.
Protein change: p.Ser375=; no amino-acid change (serine 375 retained).
Molecular consequence: synonymous variant. On other transcripts: non-coding transcript variant (2).
Genome position (GRCh38, 1-based): chr9:137,101,543, G>A. VCF-style: chr9-137101543-G-A. GRCh37 (hg19) VCF-style: chr9-139995995-G-A.
Other names: c.1017G>A, p.Ser339= (NM_007230.1).
Identifiers: ClinVar variation 2659801 (VCV002659801.26), dbSNP rs201682005, ClinGen allele CA5358921.